The following is an entry in ClinVar:

ClinVar aggregate classification (germline): Benign. Review status: criteria provided, multiple submitters, no conflicts (2 of 4 stars). 5 submissions from 5 submitters: Benign (4). 1 of the submissions does not count toward it. Last evaluated 2025-12-11.

Conditions:
ARHGAP31-related disorder. Also called: ARHGAP31-related condition.
Adams-Oliver syndrome 1 (AOS1). Also called: APLASIA CUTIS CONGENITA WITH TERMINAL TRANSVERSE LIMB DEFECTS; ABSENCE DEFECT OF LIMBS, SCALP, AND SKULL; CONGENITAL SCALP DEFECTS WITH DISTAL LIMB REDUCTION ANOMALIES. Identifiers: Orphanet 974, MedGen C4551482, MONDO:0024506, OMIM 100300.

Allele frequency attached by ClinVar (database versions not stated): gnomAD exomes 0.00026 and 0.00070; ExAC 0.00084; 1000 Genomes Project 30x 0.00234; 1000 Genomes Project 0.00240; gnomAD 0.00276 and 0.00294; TOPMed 0.00284; ESP Exome Variant Server 0.00307.
gnomAD v4.1: 800 of 1,614,126 alleles (0.05%); highest among the groups gnomAD compares: African/African-American, 0.95%; 3 homozygotes.

Submissions (5):

Labcorp Genetics (formerly Invitae), Labcorp
Classification: Benign. Last evaluated: 2025-12-11. Review status: criteria provided, single submitter. Criteria: Invitae Variant Classification Sherloc (09022015). Collection method: clinical testing. Allele origin: germline.

Blueprint Genetics
Classification: Benign. Last evaluated: 2024-11-05. Review status: criteria provided, single submitter. Criteria: ACMG Guidelines, 2015. Collection method: clinical testing. Allele origin: germline.

Genome-Nilou Lab
Classification: Benign for Adams-Oliver syndrome 1. Last evaluated: 2021-12-05. Review status: criteria provided, single submitter. Criteria: ACMG Guidelines, 2015. Collection method: clinical testing. Allele origin: germline. Affected: no.

Eurofins Ntd Llc (ga)
Classification: Benign. Last evaluated: 2016-05-12. Review status: criteria provided, single submitter. Criteria: EGL Classification Definitions 2015. Collection method: clinical testing. Allele origin: germline. Observed: 1 variant allele, 1 heterozygote.

PreventionGenetics, part of Exact Sciences
Classification: Benign for ARHGAP31-related condition. Last evaluated: 2024-06-16. Review status: no assertion criteria provided. Collection method: clinical testing. Allele origin: germline. Not counted in ClinVar's aggregate classification.
Comment: This variant is classified as benign based on ACMG/AMP sequence variant interpretation guidelines (Richards et al. 2015 PMID: 25741868, with internal and published modifications).

NM_020754.4(ARHGAP31):c.654C>T (p.Asn218=)

Gene: ARHGAP31 (Rho GTPase activating protein 31; plus strand). Cytogenetic location: 3q13.33.
Variant type: single nucleotide variant.
Coding change: c.654C>T on transcript NM_020754.4 (MANE Select); coding-DNA position 654, C replaced by T.
Protein change: p.Asn218=; no amino-acid change (asparagine 218 retained).
Molecular consequence: synonymous variant.
Genome position (GRCh38, 1-based): chr3:119,383,198, C>T. VCF-style: chr3-119383198-C-T. GRCh37 (hg19) VCF-style: chr3-119102045-C-T.
Identifiers: ClinVar variation 287160 (VCV000287160.16), dbSNP rs145326425, ClinGen allele CA2553656.
Genomic context (GRCh38, chr3:119,383,198, plus strand): 5'-CCGGGTCCAGCAGGTGGTGATTGAGTTCATATTGAATCATGTAGATCAAATCTTTAACAA[C>T]GGTGCACCTGGGTCTCTGGAGAATGATGGTAAGGACTCCTCCTAGCATACACTCCACCAG-3'
Protein context (NP_065805.2, residues 208-228): ILNHVDQIFN[Asn218=]GAPGSLENDE